The following is an entry in ClinVar:

ClinVar aggregate classification (germline): Uncertain significance (1 of 4 stars; one submission).

Allele frequency attached by ClinVar (database versions not stated): gnomAD exomes 0.00002 and 0.00004; ExAC 0.00005; gnomAD 0.00014 and 0.00015; TOPMed 0.00014; ESP Exome Variant Server 0.00015; 1000 Genomes Project 30x 0.00031; 1000 Genomes Project 0.00040.

Submission:

Labcorp Genetics (formerly Invitae), Labcorp
Classification: Uncertain significance. Last evaluated: 2025-04-30. Review status: criteria provided, single submitter. Criteria: Invitae Variant Classification Sherloc (09022015). Collection method: clinical testing. Allele origin: germline.
Comment: This sequence change replaces alanine, which is neutral and non-polar, with threonine, which is neutral and polar, at codon 153 of the GPR45 protein (p.Ala153Thr). This variant is present in population databases (rs200821166, gnomAD 0.03%). This variant has not been reported in the literature in individuals affected with GPR45-related conditions. ClinVar contains an entry for this variant (Variation ID: 1496965). An algorithm developed to predict the effect of missense changes on protein structure and function (PolyPhen-2) suggests that this variant is likely to be disruptive. In summary, the available evidence is currently insufficient to determine the role of this variant in disease. Therefore, it has been classified as a Variant of Uncertain Significance.

NM_007227.3(GPR45):c.457G>A (p.Ala153Thr)

Gene: GPR45 (G protein-coupled receptor 45; plus strand). Cytogenetic location: 2q12.1.
Variant type: single nucleotide variant.
Coding change: c.457G>A on transcript NM_007227.3 (MANE Select); coding-DNA position 457, G replaced by A.
Protein change: p.Ala153Thr; replaces alanine 153 with threonine.
Molecular consequence: missense variant.
Genome position (GRCh38, 1-based): chr2:105,242,315, G>A. VCF-style: chr2-105242315-G-A. GRCh37 (hg19) VCF-style: chr2-105858772-G-A.
Other names: short protein forms A153T.
Identifiers: ClinVar variation 1496965 (VCV001496965.6), dbSNP rs200821166, ClinGen allele CA1813583.